The following is an entry in ClinVar:

ClinVar aggregate classification (germline): Pathogenic (1 of 4 stars; one submission).

Conditions:
Tuberous sclerosis 2 (TSC2). Identifiers: Orphanet 805, MedGen C1860707, MONDO:0013199, OMIM 613254.

Submission:

Labcorp Genetics (formerly Invitae), Labcorp
Classification: Pathogenic for Tuberous sclerosis 2. Last evaluated: 2019-11-08. Review status: criteria provided, single submitter. Criteria: Invitae Variant Classification Sherloc (09022015). Collection method: clinical testing. Allele origin: germline.
Comment: This sequence change creates a premature translational stop signal (p.Pro1145Alafs*22) in the TSC2 gene. It is expected to result in an absent or disrupted protein product. For these reasons, this variant has been classified as Pathogenic. Loss-of-function variants in TSC2 are known to be pathogenic (PMID: 10205261, 17304050). This variant has not been reported in the literature in individuals with TSC2-related conditions. This variant is not present in population databases (ExAC no frequency).

Literature cited by the submitters: PubMed 10205261; PubMed 17304050.

NM_000548.5(TSC2):c.3433_3437delinsGCA (p.Pro1145fs)

Gene: TSC2 (TSC complex subunit 2; plus strand). Cytogenetic location: 16p13.3.
Variant type: Indel.
Coding change: c.3433_3437delinsGCA on transcript NM_000548.5 (MANE Select); coding-DNA positions 3433 to 3437, CCGGC replaced by GCA.
Protein change: p.Pro1145fs; shifts the reading frame from proline 1145.
Molecular consequence: frameshift variant.
Genome position (GRCh38, 1-based): chr16:2,080,200-2,080,204, CCGGC replaced by GCA. VCF-style: chr16-2080200-CCGGC-GCA. GRCh37 (hg19) VCF-style: chr16-2130201-CCGGC-GCA.
Other names: c.3301_3305delinsGCA, p.Pro1101fs (NM_001077183.3, NM_001370404.1); c.3433_3437delinsGCA, p.Pro1145fs (NM_001114382.3); c.3193_3197delinsGCA, p.Pro1065fs (NM_001318827.2); c.3157_3161delinsGCA, p.Pro1053fs (NM_001318829.2); c.2701_2705delinsGCA, p.Pro901fs (NM_001318831.2); c.3334_3338delinsGCA, p.Pro1112fs (NM_001318832.2); c.3304_3308delinsGCA, p.Pro1102fs (NM_001363528.2, NM_001370405.1, NM_021055.3); short protein forms P1053fs, P1101fs, P1065fs, P1102fs, P1145fs, P901fs, P1112fs.
Identifiers: ClinVar variation 965578 (VCV000965578.6), dbSNP rs2089956522, ClinGen allele CA1139664258.